The following is an entry in ClinVar:

ClinVar aggregate classification (germline): Uncertain significance. Review status: criteria provided, multiple submitters, no conflicts (2 of 4 stars). 2 submissions from 2 submitters: Uncertain significance (2). Last evaluated 2023-06-14.

Conditions:
Brugada syndrome 8 (BRGDA8). Identifiers: Orphanet 130, MedGen C2751083, MONDO:0013148, OMIM 613123.

Allele frequency attached by ClinVar (database versions not stated): gnomAD exomes below 0.00001.
gnomAD v4.1: 3 of 1,614,066 alleles (0.00019%); highest among the groups gnomAD compares: Non-Finnish European, 0.00025%; no homozygotes.

Submissions (2):

GeneDx
Classification: Uncertain significance. Last evaluated: 2023-06-14. Review status: criteria provided, single submitter. Criteria: GeneDx Variant Classification Process June 2021. Collection method: clinical testing. Allele origin: germline. Affected: yes.
Comment: Not observed at significant frequency in large population cohorts (gnomAD); In silico analysis supports that this missense variant does not alter protein structure/function; Has not been previously published as pathogenic or benign to our knowledge

Labcorp Genetics (formerly Invitae), Labcorp
Classification: Uncertain significance for Brugada syndrome 8. Last evaluated: 2022-10-11. Review status: criteria provided, single submitter. Criteria: Invitae Variant Classification Sherloc (09022015). Collection method: clinical testing. Allele origin: germline.
Comment: In summary, the available evidence is currently insufficient to determine the role of this variant in disease. Therefore, it has been classified as a Variant of Uncertain Significance. This sequence change replaces isoleucine, which is neutral and non-polar, with valine, which is neutral and non-polar, at codon 376 of the HCN4 protein (p.Ile376Val). This variant is present in population databases (no rsID available, gnomAD 0.0009%). This variant has not been reported in the literature in individuals affected with HCN4-related conditions. Advanced modeling of protein sequence and biophysical properties (such as structural, functional, and spatial information, amino acid conservation, physicochemical variation, residue mobility, and thermodynamic stability) performed at Invitae indicates that this missense variant is expected to disrupt HCN4 protein function.

NM_005477.3(HCN4):c.1126A>G (p.Ile376Val)

Genes: HCN4 (hyperpolarization activated cyclic nucleotide gated potassium channel 4; minus strand), LOC105370890 (uncharacterized LOC105370890; plus strand), LOC126862173 (CDK7 strongly-dependent group 2 enhancer GRCh37_chr15:73635762-73636961; plus strand). Cytogenetic location: 15q24.1.
Variant type: single nucleotide variant.
Coding change: c.1126A>G on transcript NM_005477.3 (MANE Select); coding-DNA position 1126, A replaced by G.
Protein change: p.Ile376Val; replaces isoleucine 376 with valine.
Molecular consequence: missense variant.
Genome position (GRCh38, 1-based): chr15:73,343,468, T>C on the plus strand (A>G on the coding strand, the complement: HCN4 is on the minus strand). VCF-style: chr15-73343468-T-C. GRCh37 (hg19) VCF-style: chr15-73635809-T-C.
Other names: c.1126A>G (NM_005477.2); short protein forms I376V.
Identifiers: ClinVar variation 2133484 (VCV002133484.5), dbSNP rs1376080541, ClinGen allele CA393094798.